The following is an entry in ClinVar:

ClinVar aggregate classification (germline): Pathogenic (1 of 4 stars; one submission).

Conditions:
Congenital hyperammonemia, type I. Also called: Carbamoyl-phosphate synthase I deficiency; CPS I DEFICIENCY; Carbamoyl phosphate synthetase I deficiency disease; Carbamoyl phosphate synthetase 1 deficiency; Hyperammonemia due to carbamoyl phosphate synthetase 1 deficiency; CPS 1 deficiency. Identifiers: Orphanet 147, MedGen C4082171, MONDO:0009376, OMIM 237300.

Submission:

Labcorp Genetics (formerly Invitae), Labcorp
Classification: Pathogenic for Congenital hyperammonemia, type I. Last evaluated: 2022-09-06. Review status: criteria provided, single submitter. Criteria: Invitae Variant Classification Sherloc (09022015). Collection method: clinical testing. Allele origin: germline.
Comment: For these reasons, this variant has been classified as Pathogenic. This variant has not been reported in the literature in individuals affected with CPS1-related conditions. This variant is a gross deletion of the genomic region encompassing exon(s) 25-28 of the CPS1 gene. This deletion is out-of-frame, and is expected to create a premature termination codon and result in an absent or disrupted protein product. Loss-of-function variants in CPS1 are known to be pathogenic (PMID: 21120950).

Literature cited by the submitters: PubMed 21120950.

NC_000002.11:g.(?_211507198)_(211515172_?)del

Gene: CPS1 (carbamoyl-phosphate synthase 1; plus strand). Cytogenetic location: 2q34.
Variant type: Deletion.
Identifiers: ClinVar variation 2424289 (VCV002424289.4).